The following is an entry in ClinVar:

NM_005391.5(PDK3):c.1125C>T (p.Ser375=)

Gene: PDK3 (pyruvate dehydrogenase kinase 3; plus strand). Cytogenetic location: Xp22.11.
Variant type: single nucleotide variant.
Coding change: c.1125C>T on transcript NM_005391.5 (MANE Select); coding-DNA position 1125, C replaced by T.
Protein change: p.Ser375=; no amino-acid change (serine 375 retained).
Molecular consequence: synonymous variant.
Genome position (GRCh38, 1-based): chrX:24,533,976, C>T. VCF-style: chrX-24533976-C-T. GRCh37 (hg19) VCF-style: chrX-24552093-C-T.
Other names: c.1125C>T, p.Ser375= (NM_001142386.3).
Identifiers: ClinVar variation 1097604 (VCV001097604.13), dbSNP rs772546760, ClinGen allele CA10372400.

ClinVar aggregate classification (germline): Likely benign. Review status: criteria provided, multiple submitters, no conflicts (2 of 4 stars). 2 submissions from 2 submitters: Likely benign (2). Last evaluated 2026-02-01.

Conditions:
Charcot-Marie-Tooth disease X-linked dominant 6. Also called: CHARCOT-MARIE-TOOTH NEUROPATHY, X-LINKED DOMINANT, 6. Identifiers: Orphanet 352675, MedGen C3806702, MONDO:0010479, OMIM 300905.

Allele frequency attached by ClinVar (database versions not stated): ExAC 0.00001; gnomAD 0.00001; gnomAD exomes 0.00001.
gnomAD v4.1: 8 of 1,206,702 alleles (0.00066%); highest among the groups gnomAD compares: South Asian, 0.0053%; no homozygotes.

Submissions (2):

CeGaT Center for Human Genetics Tuebingen
Classification: Likely benign. Last evaluated: 2026-02-01. Review status: criteria provided, single submitter. Criteria: CeGaT Center For Human Genetics Tuebingen Variant Classification Criteria Version 2. Collection method: clinical testing. Allele origin: germline. Affected: yes. Observed: 1 variant allele.
Comment: PDK3: BP4, BP7

Labcorp Genetics (formerly Invitae), Labcorp
Classification: Likely benign for Charcot-Marie-Tooth disease X-linked dominant 6. Last evaluated: 2019-05-30. Review status: criteria provided, single submitter. Criteria: Invitae Variant Classification Sherloc (09022015). Collection method: clinical testing. Allele origin: germline.